The following is an entry in ClinVar:

NM_145729.3(MRPL24):c.420A>T (p.Ala140=)

Gene: MRPL24 (mitochondrial ribosomal protein L24; minus strand). Cytogenetic location: 1q23.1.
Variant type: single nucleotide variant.
Coding change: c.420A>T on transcript NM_145729.3 (MANE Select); coding-DNA position 420, A replaced by T.
Protein change: p.Ala140=; no amino-acid change (alanine 140 retained).
Molecular consequence: synonymous variant.
Genome position (GRCh38, 1-based): chr1:156,737,740, T>A on the plus strand (A>T on the coding strand, the complement: MRPL24 is on the minus strand). VCF-style: chr1-156737740-T-A. GRCh37 (hg19) VCF-style: chr1-156707532-T-A.
Other names: c.420A>T, p.Ala140= (NM_024540.4).
Identifiers: ClinVar variation 3355211 (VCV003355211.1).

ClinVar aggregate classification (germline): Likely benign (0 of 4 stars; one submission).

Conditions:
MRPL24-related condition.

gnomAD v4.1: 52 of 1,614,082 alleles (0.0032%); highest among the groups gnomAD compares: Non-Finnish European, 0.0044%; no homozygotes.

Submission:

PreventionGenetics, part of Exact Sciences
Classification: Likely benign for MRPL24-related condition. Last evaluated: 2024-09-25. Review status: no assertion criteria provided. Collection method: clinical testing. Allele origin: germline.
Comment: This variant is classified as likely benign based on ACMG/AMP sequence variant interpretation guidelines (Richards et al. 2015 PMID: 25741868, with internal and published modifications).